The following is an entry in ClinVar:

NM_000169.3(GLA):c.718_719del (p.Lys240fs)

Genes: GLA (galactosidase alpha; minus strand), RPL36A-HNRNPH2 (RPL36A-HNRNPH2 readthrough; plus strand). Cytogenetic location: Xq22.1.
Variant type: Deletion.
Coding change: c.718_719del on transcript NM_000169.3 (MANE Select); coding-DNA positions 718 to 719, 2 bases deleted (AA; older notation c.718_719delAA).
Protein change: p.Lys240fs; shifts the reading frame from lysine 240.
Molecular consequence: frameshift variant. On other transcripts: non-coding transcript variant (3), intron variant (2).
Genome position (GRCh38, 1-based): chrX:101,398,867-101,398,868, TT deleted on the plus strand (AA on the coding strand, the reverse complement: GLA is on the minus strand); deleting any 2 consecutive bases within chrX:101,398,867-101,398,869 gives the same sequence; the c. name uses the placement nearest the transcript's 3' end. VCF-style (leftmost placement, unchanged base first): chrX-101398866-CTT-C. GRCh37 (hg19) VCF-style: chrX-100653854-CTT-C.
Other names: c.718_719delAA (NM_000169.2); c.717_718delAA, p.Lys240Glufs (NM_000169.2); c.841_842del, p.Lys281fs (NM_001406747.1); c.718_719del, p.Lys240fs (NM_001406748.1); c.300+3411_300+3412del (NM_001199973.2); c.177+7046_177+7047del (NM_001199974.2); short protein forms K240fs, K281fs.
Identifiers: ClinVar variation 222371 (VCV000222371.30), dbSNP rs869312389, ClinGen allele CA352644.

ClinVar aggregate classification (germline): Pathogenic. Review status: criteria provided, multiple submitters, no conflicts (2 of 4 stars). 11 submissions from 11 submitters: Pathogenic (11). Last evaluated 2026-09-08.

Conditions:
Fabry disease. Also called: Fabry's disease; Angiokeratoma corporis diffusum; Ceramide trihexosidosis; ALPHA-GALACTOSIDASE A DEFICIENCY; ANDERSON-FABRY DISEASE; CERAMIDE TRIHEXOSIDASE DEFICIENCY. Identifiers: Orphanet 324, MedGen C0002986, MONDO:0010526, OMIM 301500, HP:0001071. Disease mechanism: loss of function, Fabry disease is due to inactivating mutations in the X-linked GLA gene resulting in deficiency of the enzyme Alpha Galactosidase-A..

Submissions (11):

Genomenon, Inc
Classification: Pathogenic for Fabry disease. Last evaluated: 2026-09-08. Review status: criteria provided, single submitter. Criteria: Genomenon Sequence Variant Interpretation Standards - Updated. Collection method: curation. Allele origin: germline. Affected: yes.
Comment: GLA p.Lys240GlufsTer9 (c.718_719del) is a frameshift variant that is predicted to introduce a premature termination codon and result in a truncated or absent protein product. This variant has been observed in at least one proband with clinical features consistent with Fabry disease (PMID:18205205;12428061;8875188;22551898;27600940;38002959;39348817;32843101). The variant was found to segregate with disease in at least one affected family (PMID:18205205;38002959;39348817;32843101). At least one functional study has demonstrated a substantial alteration in protein function relative to the wild-type (PMID:18205205). It is absent or not present at a significant frequency in gnomAD. In conclusion, we classify GLA p.Lys240GlufsTer9 (c.718_719del) as a pathogenic variant.

Genetics Laboratory, Great Ormond Street Hospital NHS Foundation Trust, North Thames Genomic Laboratory Hub
Classification: Pathogenic for Fabry disease. Last evaluated: 2025-11-21. Review status: criteria provided, single submitter. Criteria: ACGS Best Practice Guidelines for Variant Classification in Rare Disease 2024 v1.2. Collection method: clinical testing. Allele origin: germline. Affected: yes.
Comment: PS4_moderate, PM2_moderate, PVS1_very-strong, PP4_strong

Labcorp Genetics (formerly Invitae), Labcorp
Classification: Pathogenic for Fabry disease. Last evaluated: 2025-09-10. Review status: criteria provided, single submitter. Criteria: Invitae Variant Classification Sherloc (09022015). Collection method: clinical testing. Allele origin: germline.
Comment: This sequence change creates a premature translational stop signal (p.Lys240Glufs*9) in the GLA gene. It is expected to result in an absent or disrupted protein product. Loss-of-function variants in GLA are known to be pathogenic (PMID: 10666480, 12175777). This variant is not present in population databases (gnomAD no frequency). This premature translational stop signal has been observed in individuals with Fabry disease (PMID: 8069316, 18205205, 22551898, 24582695, 27560961). ClinVar contains an entry for this variant (Variation ID: 222371). Algorithms developed to predict the effect of sequence changes on RNA splicing suggest that this variant may disrupt the consensus splice site. For these reasons, this variant has been classified as Pathogenic.

CeGaT Center for Human Genetics Tuebingen
Classification: Pathogenic. Last evaluated: 2025-04-01. Review status: criteria provided, single submitter. Criteria: CeGaT Center For Human Genetics Tuebingen Variant Classification Criteria Version 2. Collection method: clinical testing. Allele origin: germline. Affected: yes. Observed: 1 variant allele.
Comment: GLA: PVS1, PS4, PM2

Revvity Omics, Revvity
Classification: Pathogenic. Last evaluated: 2024-08-05. Review status: criteria provided, single submitter. Criteria: ACMG Guidelines, 2015. Collection method: clinical testing. Allele origin: germline.

Fulgent Genetics
Classification: Pathogenic for Fabry disease. Last evaluated: 2021-09-07. Review status: criteria provided, single submitter. Criteria: ACMG Guidelines, 2015. Collection method: clinical testing. Allele origin: unknown.

Genome-Nilou Lab
Classification: Pathogenic for Fabry disease. Last evaluated: 2021-07-15. Review status: criteria provided, single submitter. Criteria: ACMG Guidelines, 2015. Collection method: clinical testing. Allele origin: germline. Affected: no.

CENTOGENE GmbH and LLC - Guiding Precision Medicine
Classification: Pathogenic for Fabry disease. Last evaluated: 2021-03-15. Review status: criteria provided, single submitter. Criteria: ACMG Guidelines, 2015. Collection method: clinical testing. Allele origin: germline. Affected: yes.

Women's Health and Genetics/Laboratory Corporation of America, LabCorp
Classification: Pathogenic for Fabry disease. Last evaluated: 2018-12-05. Review status: criteria provided, single submitter. Criteria: LabCorp Variant Classification Summary - May 2015. Collection method: clinical testing. Allele origin: germline.
Comment: Variant summary: GLA c.718_719delAA (p.Lys240GlufsX9) results in a premature termination codon, predicted to cause a truncation of the encoded protein or absence of the protein due to nonsense mediated decay, which are commonly known mechanisms for disease. Truncations downstream of this position have been classified as pathogenic by our laboratory (eg. p.Gln250X, p.Arg301X, p.Arg332fsX7). The variant was absent in 178766 control chromosomes. c.718_719delAA has been reported in the literature in multiple individuals affected with Fabry Disease (Blanch_1996, Bono_2011, Germain_2002, Nakano_2013, Shimotori_2007). These data indicate that the variant is very likely to be associated with disease. Enzyme activity assessed in transfected COS-7 cells showed the variant to result in <10% normal enzyme activity, with no response to 1-deoxygalactonojirimycin treatment (Shimotori_2007). One clinical diagnostic laboratory has submitted clinical-significance assessments for this variant to ClinVar after 2014 without evidence for independent evaluation. One laboratory classified the variant as pathogenic. Based on the evidence outlined above, the variant was classified as pathogenic.

GeneDx
Classification: Pathogenic. Last evaluated: 2018-04-23. Review status: criteria provided, single submitter. Criteria: GeneDx Variant Classification (06012015). Collection method: clinical testing. Allele origin: germline. Affected: yes.
Comment: The c.718_719delAA variant has been reported previously in association with Fabry disease using alternative nomenclature (Davies et al., 1994; Sueoka et al., 2015). The c.718_719delAA variant is not observed in large population cohorts (Lek et al., 2016). The deletion causes a frameshift starting with codon Lysine 240, changes this amino acid to a Glutamic Acid residue and creates a premature Stop codon at position 9 of the new reading frame, denoted p.Lys240GlufsX9. This variant is predicted to cause loss of normal protein function either through protein truncation or nonsense-mediated mRNA decay. In summary, we interpret c.718_719delAA as pathogenic.

Eurofins Ntd Llc (ga)
Classification: Pathogenic. Last evaluated: 2017-08-22. Review status: criteria provided, single submitter. Criteria: EGL Classification Definitions 2015. Collection method: clinical testing. Allele origin: germline. Observed: 4 variant alleles, 3 heterozygotes, 1 homozygote.

Literature cited by the submitters: PubMed 18205205 (cited by 4 submitters); PubMed 12428061 (cited by Genomenon, Inc and Women's Health and Genetics/Laboratory Corporation of America, LabCorp); PubMed 8875188 (cited by Genomenon, Inc); PubMed 22551898 (cited by Genomenon, Inc and Labcorp Genetics (formerly Invitae), Labcorp); PubMed 27600940 (cited by Genomenon, Inc); PubMed 38002959 (cited by Genomenon, Inc); PubMed 39348817 (cited by Genomenon, Inc); PubMed 32843101 (cited by Genomenon, Inc); PubMed 10666480 (cited by Labcorp Genetics (formerly Invitae), Labcorp); PubMed 12175777 (cited by Labcorp Genetics (formerly Invitae), Labcorp); PubMed 8069316 (cited by Labcorp Genetics (formerly Invitae), Labcorp); PubMed 24582695 (cited by Labcorp Genetics (formerly Invitae), Labcorp and Eurofins Ntd Llc (ga)); PubMed 27560961 (cited by Labcorp Genetics (formerly Invitae), Labcorp); PubMed 15776423 (cited by Women's Health and Genetics/Laboratory Corporation of America, LabCorp); PubMed 24236025 (cited by Women's Health and Genetics/Laboratory Corporation of America, LabCorp); PubMed 21896204 (cited by Women's Health and Genetics/Laboratory Corporation of America, LabCorp); PubMed 8807334 (cited by Women's Health and Genetics/Laboratory Corporation of America, LabCorp); PubMed 23935525 (cited by Eurofins Ntd Llc (ga)).